The following is an entry in ClinVar:

NM_182493.3(MYLK3):c.2383G>A (p.Ala795Thr)

Gene: MYLK3 (myosin light chain kinase 3; minus strand). Cytogenetic location: 16q11.2.
Variant type: single nucleotide variant.
Coding change: c.2383G>A on transcript NM_182493.3 (MANE Select); coding-DNA position 2383, G replaced by A.
Protein change: p.Ala795Thr; replaces alanine 795 with threonine.
Molecular consequence: missense variant.
Genome position (GRCh38, 1-based): chr16:46,709,556, C>T on the plus strand (G>A on the coding strand, the complement: MYLK3 is on the minus strand). VCF-style: chr16-46709556-C-T. GRCh37 (hg19) VCF-style: chr16-46743468-C-T.
Other names: c.1360G>A, p.Ala454Thr (NM_001308301.1); short protein forms A454T, A795T.
Identifiers: ClinVar variation 3659093 (VCV003659093.2).

ClinVar aggregate classification (germline): Uncertain significance (1 of 4 stars; one submission).

Submission:

Labcorp Genetics (formerly Invitae), Labcorp
Classification: Uncertain significance. Last evaluated: 2024-07-09. Review status: criteria provided, single submitter. Criteria: Invitae Variant Classification Sherloc (09022015). Collection method: clinical testing. Allele origin: germline.
Comment: This sequence change replaces alanine, which is neutral and non-polar, with threonine, which is neutral and polar, at codon 795 of the MYLK3 protein (p.Ala795Thr). This variant is not present in population databases (gnomAD no frequency). This variant has not been reported in the literature in individuals affected with MYLK3-related conditions. An algorithm developed to predict the effect of missense changes on protein structure and function outputs the following: PolyPhen-2: "Benign". The threonine amino acid residue is found in multiple mammalian species, which suggests that this missense change does not adversely affect protein function. In summary, the available evidence is currently insufficient to determine the role of this variant in disease. Therefore, it has been classified as a Variant of Uncertain Significance.